The following is an entry in ClinVar:

NM_001369.3(DNAH5):c.11230_11240del (p.Thr3744fs)

Genes: DNAH5 (dynein axonemal heavy chain 5; minus strand), LOC107457585 (meiotic recombination hotspot J; plus strand). Cytogenetic location: 5p15.2.
Variant type: Deletion.
Coding change: c.11230_11240del on transcript NM_001369.3 (MANE Select); coding-DNA positions 11230 to 11240, 11 bases deleted (ACTCATCTGAT).
Protein change: p.Thr3744fs; shifts the reading frame from threonine 3744.
Molecular consequence: frameshift variant.
Genome position (GRCh38, 1-based): chr5:13,737,467-13,737,477, ATCAGATGAGT deleted on the plus strand (ACTCATCTGAT on the coding strand, the reverse complement: DNAH5 is on the minus strand). VCF-style (leftmost placement, unchanged base first): chr5-13737466-CATCAGATGAGT-C. GRCh37 (hg19) VCF-style: chr5-13737575-CATCAGATGAGT-C.
Other names: short protein forms T3744fs.
Identifiers: ClinVar variation 5011614 (VCV005011614.1).

ClinVar aggregate classification (germline): Pathogenic (1 of 4 stars; one submission).

Conditions:
Primary ciliary dyskinesia 3. Identifiers: Orphanet 244, MedGen C1837618, MONDO:0012085, OMIM 608644.

Submission:

Myriad Genetics, Inc.
Classification: Pathogenic for Primary ciliary dyskinesia 3. Last evaluated: 2023-09-09. Review status: criteria provided, single submitter. Criteria: Myriad Autosomal Dominant, Autosomal Recessive and X-Linked Classification Criteria (2023). Collection method: clinical testing. Allele origin: unknown.
Comment: NM_001369.2(DNAH5):c.11230_11240del11(T3744Gfs*16) is expected to be pathogenic in the context of primary ciliary dyskinesia, DNAH5-related. This variant is predicted to lead to an abnormal or absent protein product due to the creation of a premature termination codon in DNAH5, a gene where loss-of-function variants are known to be pathogenic. Please note: this variant was assessed in the context of healthy population screening.